The following is an entry in ClinVar:

ClinVar aggregate classification (germline): Uncertain significance (1 of 4 stars; one submission).

Submission:

Ambry Genetics
Classification: Uncertain significance. Last evaluated: 2023-02-25. Review status: criteria provided, single submitter. Criteria: Ambry Variant Classification Scheme 2023. Collection method: clinical testing. Allele origin: germline.
Comment: The p.V310A variant (also known as c.929T>C), located in coding exon 6 of the POLQ gene, results from a T to C substitution at nucleotide position 929. The valine at codon 310 is replaced by alanine, an amino acid with similar properties. This amino acid position is conserved. In addition, this alteration is predicted to be tolerated by in silico analysis. Since supporting evidence is limited at this time, the clinical significance of this alteration remains unclear.

NM_199420.4(POLQ):c.929T>C (p.Val310Ala)

Gene: POLQ (DNA polymerase theta; minus strand). Cytogenetic location: 3q13.33.
Variant type: single nucleotide variant.
Coding change: c.929T>C on transcript NM_199420.4 (MANE Select); coding-DNA position 929, T replaced by C.
Protein change: p.Val310Ala; replaces valine 310 with alanine.
Molecular consequence: missense variant.
Genome position (GRCh38, 1-based): chr3:121,533,021, A>G on the plus strand (T>C on the coding strand, the complement: POLQ is on the minus strand). VCF-style: chr3-121533021-A-G. GRCh37 (hg19) VCF-style: chr3-121251868-A-G.
Other names: short protein forms V310A.
Identifiers: ClinVar variation 2449030 (VCV002449030.2), dbSNP rs55748151, ClinGen allele CA354125888.